The following is an entry in ClinVar:

NM_001378452.1(ITPR1):c.6848T>G (p.Phe2283Cys)

Gene: ITPR1 (inositol 1,4,5-trisphosphate receptor type 1; plus strand). Cytogenetic location: 3p26.1.
Variant type: single nucleotide variant.
Coding change: c.6848T>G on transcript NM_001378452.1 (MANE Select); coding-DNA position 6848, T replaced by G.
Protein change: p.Phe2283Cys; replaces phenylalanine 2283 with cysteine.
Molecular consequence: missense variant.
Genome position (GRCh38, 1-based): chr3:4,795,104, T>G. VCF-style: chr3-4795104-T-G. GRCh37 (hg19) VCF-style: chr3-4836788-T-G.
Other names: c.6704T>G, p.Phe2235Cys (NM_001099952.4); c.6803T>G, p.Phe2268Cys (NM_001168272.2); c.6659T>G, p.Phe2220Cys (NM_002222.7); short protein forms F2220C, F2235C, F2268C, F2283C.
Identifiers: ClinVar variation 1709176 (VCV001709176.2), dbSNP rs2470119051, ClinGen allele CA351642638.
Genomic context (GRCh38, chr3:4,795,104, plus strand): 5'-GCTTTGCCTTTGTCTCTGCAGCCCAGCCCGTGTTGTACTGGTGTGCCCGCAACATGTCTT[T>G]CTGGAGCAGCATTTCGTTTAACCTGGCCGTCCTGATGAACCTGCTGGTGGCGTTTTTCTA-3'
Protein context (NP_001365381.1, residues 2273-2293): VLYWCARNMS[Phe2283Cys]WSSISFNLAV

ClinVar aggregate classification (germline): Uncertain significance (1 of 4 stars; one submission).

Conditions:
Spinocerebellar ataxia type 15/16 (SCA15). Also called: Spinocerebellar Ataxia Type 15. Identifiers: Orphanet 98769, MedGen C1847725, MONDO:0011694, OMIM 606658.

Submission:

MGZ Medical Genetics Center
Classification: Uncertain significance for Spinocerebellar ataxia type 15/16. Last evaluated: 2022-05-03. Review status: criteria provided, single submitter. Criteria: ACMG Guidelines, 2015. Collection method: clinical testing. Allele origin: germline. Affected: yes. Observed: 1 variant allele.
Comment: ACMG criteria applied: PM2_SUP, PP3